The following is an entry in ClinVar:

ClinVar aggregate classification (germline): Benign/Likely benign. Review status: criteria provided, multiple submitters, no conflicts (2 of 4 stars). 3 submissions from 3 submitters: Benign (1); Likely benign (2). Last evaluated 2026-01-15.

Conditions:
Urinary bladder, atony of. Also called: Bladder Dysfunction with Impaired Pupillary Reflex and Secondary Congenital Anomalies of the Kidney and Urinary Tract. Identifiers: MedGen C5231389, MONDO:0008630, OMIM 191800.
SMOKING AS A QUANTITATIVE TRAIT LOCUS 3 (SQTL3). Identifiers: MedGen C3150168, OMIM 612052.

Allele frequency attached by ClinVar (database versions not stated): 1000 Genomes Project 30x 0.00078; 1000 Genomes Project 0.00100; TOPMed 0.00229; ESP Exome Variant Server 0.00270; gnomAD exomes 0.00285 and 0.00358; gnomAD 0.00340 and 0.00350; ExAC 0.00397.
gnomAD v4.1: 4,674 of 1,614,136 alleles (0.29%); highest among the groups gnomAD compares: Non-Finnish European, 0.3%; 20 homozygotes.

Submissions (3):

Labcorp Genetics (formerly Invitae), Labcorp
Classification: Benign. Last evaluated: 2026-01-15. Review status: criteria provided, single submitter. Criteria: Invitae Variant Classification Sherloc (09022015). Collection method: clinical testing. Allele origin: germline.

CeGaT Center for Human Genetics Tuebingen
Classification: Likely benign. Last evaluated: 2024-09-01. Review status: criteria provided, single submitter. Criteria: CeGaT Center For Human Genetics Tuebingen Variant Classification Criteria Version 2. Collection method: clinical testing. Allele origin: germline. Affected: yes. Observed: 2 variant alleles.
Comment: CHRNA3: BP4, BP7, BS2

Fulgent Genetics
Classification: Likely benign for Urinary bladder, atony of; SMOKING AS A QUANTITATIVE TRAIT LOCUS 3. Last evaluated: 2021-07-27. Review status: criteria provided, single submitter. Criteria: ACMG Guidelines, 2015. Collection method: clinical testing. Allele origin: unknown.

NM_000743.5(CHRNA3):c.1197C>T (p.Asp399=)

Gene: CHRNA3 (cholinergic receptor nicotinic alpha 3 subunit; minus strand). Cytogenetic location: 15q25.1.
Variant type: single nucleotide variant.
Coding change: c.1197C>T on transcript NM_000743.5 (MANE Select); coding-DNA position 1197, C replaced by T.
Protein change: p.Asp399=; no amino-acid change (aspartic acid 399 retained).
Molecular consequence: synonymous variant. On other transcripts: non-coding transcript variant (1).
Genome position (GRCh38, 1-based): chr15:78,601,445, G>A on the plus strand (C>T on the coding strand, the complement: CHRNA3 is on the minus strand). VCF-style: chr15-78601445-G-A. GRCh37 (hg19) VCF-style: chr15-78893787-G-A.
Other names: c.1197C>T, p.Asp399= (NM_001166694.2).
Identifiers: ClinVar variation 722730 (VCV000722730.33), dbSNP rs56403513, ClinGen allele CA7684311.
Genomic context (GRCh38, chr15:78,601,445, plus strand): 5'-GAGGTTAGCACTGAAATTGGAGATTTTTATCCTGCGGTGGTGGCAGTAACCACACATCCC[G>A]TCCTGGCAGGGGTAGCCCTCCTTGCAGCCTTTGGACTCTGCGCGGCTGAAGCAATTCAGA-3'
Protein context (NP_000734.2, residues 389-409): KGCKEGYPCQ[Asp399=]GMCGYCHHRR